The following is an entry in ClinVar:

NM_006852.6(TLK2):c.1188+1G>A

Gene: TLK2 (tousled like kinase 2; plus strand). Cytogenetic location: 17q23.2.
Variant type: single nucleotide variant.
Coding change: c.1188+1G>A on transcript NM_006852.6 (MANE Select); the canonical splice donor site of the intron after coding-DNA position 1188, G replaced by A.
Molecular consequence: splice donor variant.
Genome position (GRCh38, 1-based): chr17:62,576,776, G>A. VCF-style: chr17-62576776-G-A. GRCh37 (hg19) VCF-style: chr17-60654137-G-A.
Other names: c.903+1G>A (NM_001411074.1); c.741+1G>A (NM_001330418.3, NM_001375273.1); c.999+1G>A (NM_001438205.1); c.1092+1G>A (NM_001438203.1, NM_001284363.1, NM_001438204.1 and 1 more transcripts); c.1254+1G>A (NM_001284333.3, NM_001284333.1); c.1230+1G>A (NM_001375269.1); c.1188+1G>A (NM_001375271.1, NM_001375270.1).
Identifiers: ClinVar variation 4850717 (VCV004850717.2).
Genomic context (GRCh38, chr17:62,576,776, plus strand): 5'-TTAGCAGAATACCATGAACAAGAAGAAATCTTCAAACTCAGATTAGGTCATCTTAAAAAG[G>A]TAAGTATAATGAGAAAATCTCCCTGGAGAAATGTGATACCTAGTTTAAATTTGGGGTTGA-3'

ClinVar aggregate classification (germline): Pathogenic/Likely pathogenic. Review status: criteria provided, multiple submitters, no conflicts (2 of 4 stars). 2 submissions from 2 submitters: Pathogenic (1); Likely pathogenic (1). Last evaluated 2025-12-26.

Conditions:
TLK2-related disorder. Also called: TLK2-related condition.
Intellectual developmental disorder, autosomal dominant 57. Also called: MENTAL RETARDATION, AUTOSOMAL DOMINANT 57; Intellectual disability, autosomal dominant 57. Identifiers: MedGen C4748003, MONDO:0054837, OMIM 618050.

Submissions (2):

PreventionGenetics, part of Exact Sciences
Classification: Pathogenic for TLK2-related condition. Last evaluated: 2025-12-26. Review status: criteria provided, single submitter. Criteria: ACMG Guidelines, 2015. Collection method: clinical testing. Allele origin: germline.
Comment: The TLK2 c.1254+1G>A variant is predicted to disrupt the GT donor site and interfere with normal splicing. This variant was previously reported in a large cohort of individuals with autism (supplementary table 2, Wright et al. 2024. PubMed ID: 38958063). This variant is absent from the newest version of the gnomAD public population database (v4.1), indicating that this variant is rare in the general population. Variants that disrupt the consensus splice donor site in TLK2 are expected to be pathogenic. This variant is interpreted as pathogenic.

Variantyx, Inc.
Classification: Likely pathogenic for Intellectual developmental disorder, autosomal dominant 57. Last evaluated: 2025-10-03. Review status: criteria provided, single submitter. Criteria: Variantyx Assertion Criteria 2022. Collection method: clinical testing. Allele origin: germline. Inheritance: Autosomal dominant inheritance. Affected: yes.
Comment: This is a canonical splicing variant in the TLK2 gene (OMIM: 608439). Pathogenic variants in this gene have been associated with autosomal dominant intellectual developmental disorder 57. This splicing variant is expected to result in loss of function, which is a known disease mechanism for TLK2 in this disorder (PMID: 29861108, 27479843, 34821460) (PVS1). This variant has been reported in the heterozygous state in at least one affected individual (PMID: 38958063) , while it is absent from control populations (PM2). Inheritance from an unaffected or mildly affected parent has been reported in the TLK2 gene, consistent with incomplete penetrance and/or variable expressivity (PMID: 29861108). Based on the current evidence, this variant is classified as likely pathogenic for autosomal dominant intellectual developmental disorder 57.

Literature cited by the submitters: PubMed 29861108 (cited by Variantyx, Inc.); PubMed 27479843 (cited by Variantyx, Inc.); PubMed 34821460 (cited by Variantyx, Inc.).